The following is an entry in ClinVar:

NM_000093.5(COL5A1):c.4554+6T>C

Genes: COL5A1 (collagen type V alpha 1 chain; plus strand), LOC101448202 (uncharacterized LOC101448202; minus strand). Cytogenetic location: 9q34.3.
Variant type: single nucleotide variant.
Coding change: c.4554+6T>C on transcript NM_000093.5 (MANE Select); 6 bases into the intron after coding-DNA position 4554, T replaced by C.
Molecular consequence: intron variant.
Genome position (GRCh38, 1-based): chr9:134,820,229, T>C. VCF-style: chr9-134820229-T-C. GRCh37 (hg19) VCF-style: chr9-137712075-T-C.
Other names: c.4554+6T>C (NM_001278074.1).
Identifiers: ClinVar variation 2072449 (VCV002072449.6), dbSNP rs1362318572, ClinGen allele CA591111249.

ClinVar aggregate classification (germline): Uncertain significance. Review status: criteria provided, multiple submitters, no conflicts (2 of 4 stars). 2 submissions from 2 submitters: Uncertain significance (2). Last evaluated 2025-07-10.

Conditions:
Ehlers-Danlos syndrome, classic type, 1 (EDSCL1). Also called: EHLERS-DANLOS SYNDROME, GRAVIS TYPE; EHLERS-DANLOS SYNDROME, SEVERE CLASSIC TYPE; Ehlers-Danlos syndrome, type 1; EDS I; Ehlers-Danlos Syndrome, Classic Type, COL5A1-Related. Identifiers: MedGen C0268335, MONDO:0019567, OMIM 130000.

Allele frequency attached by ClinVar (database versions not stated): gnomAD exomes below 0.00001.
gnomAD v4.1: 3 of 1,608,806 alleles (0.00019%); highest among the groups gnomAD compares: South Asian, 0.0033%; no homozygotes.

Submissions (2):

Women's Health and Genetics/Laboratory Corporation of America, LabCorp
Classification: Uncertain significance. Last evaluated: 2025-07-10. Review status: criteria provided, single submitter. Criteria: LabCorp Variant Classification Summary - May 2015. Collection method: clinical testing. Allele origin: germline.
Comment: Variant summary: COL5A1 c.4554+6T>C alters a non-conserved nucleotide located close to a canonical splice site and therefore could affect mRNA splicing, leading to a significantly altered protein sequence. Consensus agreement among computation tools predict no significant impact on normal splicing. However, these predictions have yet to be confirmed by functional studies. The variant allele was found at a frequency of 4e-06 in 250494 control chromosomes. The available data on variant occurrences in the general population are insufficient to allow any conclusion about variant significance. To our knowledge, no occurrence of c.4554+6T>C in individuals affected with Ehlers-Danlos Syndrome and no experimental evidence demonstrating its impact on protein function have been reported. ClinVar contains an entry for this variant (Variation ID: 2072449). Based on the evidence outlined above, the variant was classified as uncertain significance.

Labcorp Genetics (formerly Invitae), Labcorp
Classification: Uncertain significance for Ehlers-Danlos syndrome, classic type, 1. Last evaluated: 2022-07-19. Review status: criteria provided, single submitter. Criteria: Invitae Variant Classification Sherloc (09022015). Collection method: clinical testing. Allele origin: germline.
Comment: In summary, the available evidence is currently insufficient to determine the role of this variant in disease. Therefore, it has been classified as a Variant of Uncertain Significance. Variants that disrupt the consensus splice site are a relatively common cause of aberrant splicing (PMID: 17576681, 9536098). Algorithms developed to predict the effect of sequence changes on RNA splicing suggest that this variant may create or strengthen a splice site. This variant has not been reported in the literature in individuals affected with COL5A1-related conditions. This variant is present in population databases (no rsID available, gnomAD 0.003%). This sequence change falls in intron 58 of the COL5A1 gene. It does not directly change the encoded amino acid sequence of the COL5A1 protein. It affects a nucleotide within the consensus splice site.

Literature cited by the submitters: PubMed 17576681 (cited by Labcorp Genetics (formerly Invitae), Labcorp); PubMed 9536098 (cited by Labcorp Genetics (formerly Invitae), Labcorp).